The following is an entry in ClinVar:

NM_001136191.3(KANK2):c.722C>A (p.Ala241Glu)

Gene: KANK2 (KN motif and ankyrin repeat domains 2; minus strand). Cytogenetic location: 19p13.2.
Variant type: single nucleotide variant.
Coding change: c.722C>A on transcript NM_001136191.3 (MANE Select); coding-DNA position 722, C replaced by A.
Protein change: p.Ala241Glu; replaces alanine 241 with glutamic acid.
Molecular consequence: missense variant.
Genome position (GRCh38, 1-based): chr19:11,193,358, G>T on the plus strand (C>A on the coding strand, the complement: KANK2 is on the minus strand). VCF-style: chr19-11193358-G-T. GRCh37 (hg19) VCF-style: chr19-11304034-G-T.
Other names: c.722C>A, p.Ala241Glu (NM_001329451.2, NM_001379548.1, NM_001379549.1 and 15 more transcripts); short protein forms A241E.
Identifiers: ClinVar variation 1965967 (VCV001965967.5), dbSNP rs201281642, ClinGen allele CA9205992.

ClinVar aggregate classification (germline): Uncertain significance (1 of 4 stars; one submission).

gnomAD v4.1: 39 of 1,612,752 alleles (0.0024%); highest among the groups gnomAD compares: South Asian, 0.043%; 1 homozygote.

Submission:

Labcorp Genetics (formerly Invitae), Labcorp
Classification: Uncertain significance. Last evaluated: 2025-09-08. Review status: criteria provided, single submitter. Criteria: Invitae Variant Classification Sherloc (09022015). Collection method: clinical testing. Allele origin: germline.
Comment: This sequence change replaces alanine, which is neutral and non-polar, with glutamic acid, which is acidic and polar, at codon 241 of the KANK2 protein (p.Ala241Glu). This variant is present in population databases (rs201281642, gnomAD 0.04%). This variant has not been reported in the literature in individuals affected with KANK2-related conditions. ClinVar contains an entry for this variant (Variation ID: 1965967). An algorithm developed to predict the effect of missense changes on protein structure and function (PolyPhen-2) suggests that this variant is likely to be tolerated. In summary, the available evidence is currently insufficient to determine the role of this variant in disease. Therefore, it has been classified as a Variant of Uncertain Significance.